The following is an entry in ClinVar:

ClinVar aggregate classification (germline): Uncertain significance (1 of 4 stars; one submission).

gnomAD v4.1: 2 of 1,614,130 alleles (0.00012%); highest among the groups gnomAD compares: Non-Finnish European, 0.00017%; no homozygotes.

Submission:

GeneDx
Classification: Uncertain significance. Last evaluated: 2023-07-06. Review status: criteria provided, single submitter. Criteria: GeneDx Variant Classification Process June 2021. Collection method: clinical testing. Allele origin: germline. Affected: yes.
Comment: Not observed at significant frequency in large population cohorts (gnomAD); In silico analysis supports that this missense variant does not alter protein structure/function; Has not been previously published as pathogenic or benign to our knowledge

NM_004407.4(DMP1):c.200G>A (p.Ser67Asn)

Genes: DMP1 (dentin matrix acidic phosphoprotein 1; plus strand), DMP1-AS1 (DMP1 and DSPP antisense RNA 1; minus strand). Cytogenetic location: 4q22.1.
Variant type: single nucleotide variant.
Coding change: c.200G>A on transcript NM_004407.4 (MANE Select); coding-DNA position 200, G replaced by A.
Protein change: p.Ser67Asn; replaces serine 67 with asparagine.
Molecular consequence: missense variant.
Genome position (GRCh38, 1-based): chr4:87,661,978, G>A. VCF-style: chr4-87661978-G-A. GRCh37 (hg19) VCF-style: chr4-88583130-G-A.
Other names: c.152G>A, p.Ser51Asn (NM_001079911.3); short protein forms S51N, S67N.
Identifiers: ClinVar variation 3360560 (VCV003360560.1).
Genomic context (GRCh38, chr4:87,661,978, plus strand): 5'-CGGTTCCTGGAATACTGACCATATCTGTTAACCCCAAATTCTAGGCAAATGAAGACCCCA[G>A]TGACAGCACTCAGTCAGAGGAGGGCCTGGGCTCTGATGATCATCAATACATTTATAGGCT-3'
Protein context (NP_004398.1, residues 57-77): SSEEQANEDP[Ser67Asn]DSTQSEEGLG